The following is an entry in ClinVar:

ClinVar aggregate classification (germline): Uncertain significance. Review status: criteria provided, multiple submitters, no conflicts (2 of 4 stars). 2 submissions from 2 submitters: Uncertain significance (2). Last evaluated 2024-01-19.

Conditions:
Hereditary cancer-predisposing syndrome. Also called: Neoplastic Syndromes, Hereditary; Tumor predisposition; Hereditary Cancer Syndrome; Hereditary neoplastic syndrome. Identifiers: Orphanet 140162, MedGen C0027672, MeSH D009386, MONDO:0015356.

Allele frequency attached by ClinVar (database versions not stated): gnomAD exomes below 0.00001.
gnomAD v4.1: 1 of 1,613,910 alleles (0.000062%); highest among the groups gnomAD compares: East Asian, 0.0022%; no homozygotes.

Submissions (2):

Ambry Genetics
Classification: Uncertain significance for Hereditary cancer-predisposing syndrome. Last evaluated: 2024-01-19. Review status: criteria provided, single submitter. Criteria: Ambry Variant Classification Scheme 2023. Collection method: clinical testing. Allele origin: germline.
Comment: The p.A1087V variant (also known as c.3260C>T), located in coding exon 23 of the MSH3 gene, results from a C to T substitution at nucleotide position 3260. The alanine at codon 1087 is replaced by valine, an amino acid with similar properties. This amino acid position is conserved. In addition, the in silico prediction for this alteration is inconclusive. Based on the available evidence, the clinical significance of this alteration remains unclear.

Labcorp Genetics (formerly Invitae), Labcorp
Classification: Uncertain significance. Last evaluated: 2022-11-29. Review status: criteria provided, single submitter. Criteria: Invitae Variant Classification Sherloc (09022015). Collection method: clinical testing. Allele origin: germline.
Comment: In summary, the available evidence is currently insufficient to determine the role of this variant in disease. Therefore, it has been classified as a Variant of Uncertain Significance. Algorithms developed to predict the effect of missense changes on protein structure and function are either unavailable or do not agree on the potential impact of this missense change (SIFT: "Tolerated"; PolyPhen-2: "Possibly Damaging"; Align-GVGD: "Class C0"). This variant has not been reported in the literature in individuals affected with MSH3-related conditions. This variant is not present in population databases (gnomAD no frequency). This sequence change replaces alanine, which is neutral and non-polar, with valine, which is neutral and non-polar, at codon 1087 of the MSH3 protein (p.Ala1087Val).

NM_002439.5(MSH3):c.3260C>T (p.Ala1087Val)

Gene: MSH3 (mutS homolog 3; plus strand). Cytogenetic location: 5q14.1.
Variant type: single nucleotide variant.
Coding change: c.3260C>T on transcript NM_002439.5 (MANE Select); coding-DNA position 3260, C replaced by T.
Protein change: p.Ala1087Val; replaces alanine 1087 with valine.
Molecular consequence: missense variant.
Genome position (GRCh38, 1-based): chr5:80,873,245, C>T. VCF-style: chr5-80873245-C-T. GRCh37 (hg19) VCF-style: chr5-80169064-C-T.
Other names: c.3260C>T (NM_002439.3); short protein forms A1087V.
Identifiers: ClinVar variation 2203240 (VCV002203240.5), dbSNP rs1419850679, ClinGen allele CA360347053.